The following is an entry in ClinVar:

ClinVar aggregate classification (germline): Uncertain significance. Review status: reviewed by expert panel (3 of 4 stars). 2 submissions from 2 submitters: Uncertain significance (1). 1 of the submissions does not count toward it. Last evaluated 2024-10-14.

Conditions:
Mitochondrial disease. Also called: Mitochondrial disorder; Mitochondrial disorders. Identifiers: Orphanet 68380, MedGen C0751651, MeSH D028361, MONDO:0044970.
MELAS syndrome (MELAS). Also called: Juvenile myopathy, encephalopathy, lactic acidosis, stroke. Identifiers: Orphanet 550, MedGen C0162671, MONDO:0010789, OMIM 540000.

Submissions (2):

ClinGen Mitochondrial Disease Nuclear and Mitochondrial  Variant Curation Expert Panel, ClinGen
Classification: Uncertain significance for Mitochondrial disease. Last evaluated: 2024-10-14. Review status: reviewed by expert panel. Criteria: clingen mito disease acmg specifications v1-1. Collection method: curation. Allele origin: germline. Inheritance: Mitochondrial inheritance.
Comment: This proband is also likely included in a cohort study (PMID: 31965079). This variant is absent in the GenBank dataset, Helix dataset, and gnomAD v3.1.2 (PM2_supporting). In silico predictors are conflicting as the computational predictor MitoTIP suggests this variant is possibly pathogenic (67.2 percentile) but HmtVAR predicts it to be neutral with a score of 0.3. There are no cybrid or single-fiber studies reported for this variant however a study showed impaired methylation critical for the recognition of the MT-TM codon during protein synthesis (PS3_supporting, PMID: 27214402). In summary, this variant meets criteria to be classified as uncertain significance for primary mitochondrial disease inherited in a mitochondrial manner. This classification was approved by the NICHD/NINDS U24 ClinGen Mitochondrial Disease Variant Curation Expert Panel on October 14, 2024. Mitochondrial DNA-specific ACMG/AMP criteria applied (PMID: 32906214): PS3_supporting, PM2_supporting.

Wong Mito Lab, Molecular and Human Genetics, Baylor College of Medicine
Classification: Likely pathogenic for MELAS syndrome. Last evaluated: 2019-07-12. Review status: criteria provided, single submitter. Criteria: Modified ACMG Guidelines (Unpublished). Collection method: clinical testing. Allele origin: germline. Not counted in ClinVar's aggregate classification.
Comment: The NC_012920.1:m.4437C>T variant in MT-TM gene is interpreted to be a Likely Pathogenic variant based on the modified ACMG guidelines (unpublished). This variant meets the following evidence codes reported in the guidelines: PM2, PM9, PM10, PP3, PP6

Literature cited by the submitters: PubMed 31965079 (cited by Wong Mito Lab, Molecular and Human Genetics, Baylor College of Medicine).

NC_012920.1(MT-TM):m.4437C>T

Gene: MT-TM (mitochondrially encoded tRNA methionine; plus strand).
Variant type: single nucleotide variant.
Genome position: chrM-4437-C-T.
Identifiers: ClinVar variation 689913 (VCV000689913.2), dbSNP rs1603219459, ClinGen allele CA913178150.